The following is an entry in ClinVar:

ClinVar aggregate classification (germline): Benign/Likely benign. Review status: criteria provided, multiple submitters, no conflicts (2 of 4 stars). 10 submissions from 10 submitters: Benign (2); Likely benign (6). 2 of the submissions do not count toward it. Last evaluated 2025-12-09.

Conditions:
Hereditary cancer-predisposing syndrome. Also called: Neoplastic Syndromes, Hereditary; Hereditary Cancer Syndrome; Tumor predisposition; Hereditary neoplastic syndrome. Identifiers: Orphanet 140162, MedGen C0027672, MeSH D009386, MONDO:0015356.
Familial cancer of breast. Also called: Hereditary breast cancer; hereditary breast carcinoma; BREAST CANCER, FAMILIAL. Identifiers: Orphanet 227535, MedGen C0346153, MONDO:0016419, OMIM 114480. Disease mechanism: loss of function.
Ataxia-telangiectasia syndrome (AT). Also called: Cerebello-oculocutaneous telangiectasia; Immunodeficiency with ataxia telangiectasia; Ataxia-telangiectasia, complementation group D; AT, COMPLEMENTATION GROUP C; Ataxia-telangiectasia, complementation group E; Ataxia-telangiectasia. Identifiers: Orphanet 100, MedGen C0004135, MONDO:0008840, OMIM 208900.

Allele frequency attached by ClinVar (database versions not stated): gnomAD exomes 0.00002; ExAC 0.00003; gnomAD 0.00005 and 0.00006; TOPMed 0.00005.
gnomAD v4.1: 34 of 1,610,280 alleles (0.0021%); highest among the groups gnomAD compares: African/African-American, 0.011%; no homozygotes.

Submissions (10):

Labcorp Genetics (formerly Invitae), Labcorp
Classification: Likely benign for Ataxia-telangiectasia syndrome. Last evaluated: 2025-12-09. Review status: criteria provided, single submitter. Criteria: Invitae Variant Classification Sherloc (09022015). Collection method: clinical testing. Allele origin: germline.

Ambry Genetics
Classification: Likely benign for Hereditary cancer-predisposing syndrome. Last evaluated: 2025-04-24. Review status: criteria provided, single submitter. Criteria: Ambry Variant Classification Scheme 2023. Collection method: clinical testing. Allele origin: germline.

Blueprint Genetics
Classification: Likely benign. Last evaluated: 2024-09-06. Review status: criteria provided, single submitter. Criteria: ACMG Guidelines, 2015. Collection method: clinical testing. Allele origin: germline.

Women's Health and Genetics/Laboratory Corporation of America, LabCorp
Classification: Likely benign. Last evaluated: 2024-09-06. Review status: criteria provided, single submitter. Criteria: LabCorp Variant Classification Summary - May 2015. Collection method: clinical testing. Allele origin: germline.

Myriad Genetics, Inc.
Classification: Benign for Familial cancer of breast. Last evaluated: 2024-05-02. Review status: criteria provided, single submitter. Criteria: Myriad Autosomal Dominant, Autosomal Recessive and X-Linked Classification Criteria (2023). Collection method: clinical testing. Allele origin: unknown.
Comment: This variant is considered benign. This variant is a silent/synonymous amino acid change and it is not expected to impact splicing.

CeGaT Center for Human Genetics Tuebingen
Classification: Likely benign. Last evaluated: 2023-08-01. Review status: criteria provided, single submitter. Criteria: CeGaT Center For Human Genetics Tuebingen Variant Classification Criteria Version 2. Collection method: clinical testing. Allele origin: germline. Affected: yes. Observed: 1 variant allele.
Comment: ATM: BP4, BP7

Color Diagnostics, LLC DBA Color Health
Classification: Likely benign for Hereditary cancer-predisposing syndrome. Last evaluated: 2017-11-07. Review status: criteria provided, single submitter. Criteria: ACMG Guidelines, 2015. Collection method: clinical testing. Allele origin: germline.

GeneDx
Classification: Benign. Last evaluated: 2015-08-24. Review status: criteria provided, single submitter. Criteria: GeneDx Variant Classification (06012015). Collection method: clinical testing. Allele origin: germline. Affected: yes.
Comment: This variant is considered likely benign or benign based on one or more of the following criteria: it is a conservative change, it occurs at a poorly conserved position in the protein, it is predicted to be benign by multiple in silico algorithms, and/or has population frequency not consistent with disease.

Clinical Genetics DNA and cytogenetics Diagnostics Lab, Erasmus MC, Erasmus Medical Center
Classification: Likely benign. Review status: no assertion criteria provided. Collection method: clinical testing. Allele origin: germline. Affected: yes. Study: VKGL Data-share Consensus. Not counted in ClinVar's aggregate classification.

Laboratory of Diagnostic Genome Analysis, Leiden University Medical Center (LUMC)
Classification: Likely benign. Review status: no assertion criteria provided. Collection method: clinical testing. Allele origin: germline. Affected: yes. Study: VKGL Data-share Consensus. Not counted in ClinVar's aggregate classification.

NM_000051.4(ATM):c.1887C>T (p.Ser629=)

Gene: ATM (ATM serine/threonine kinase; plus strand). Cytogenetic location: 11q22.3.
Variant type: single nucleotide variant.
Coding change: c.1887C>T on transcript NM_000051.4 (MANE Select); coding-DNA position 1887, C replaced by T.
Protein change: p.Ser629=; no amino-acid change (serine 629 retained).
Molecular consequence: synonymous variant.
Genome position (GRCh38, 1-based): chr11:108,252,901, C>T. VCF-style: chr11-108252901-C-T. GRCh37 (hg19) VCF-style: chr11-108123628-C-T.
Other names: c.1887C>T, p.Ser629= (NM_001351834.2).
Identifiers: ClinVar variation 231225 (VCV000231225.47), dbSNP rs143097772, ClinGen allele CA6264892.
Genomic context (GRCh38, chr11:108,252,901, plus strand): 5'-GAAAATTCTTGTGAGTCTCACTATGAAAAACTGTAAAGCTGCAATGAATTTTTTCCAAAG[C>T]GTGCCAGAATGGTATGTTATCTAATAATGCTCTTTATCATTTTAAGCTATAGCTTTAATT-3'
Protein context (NP_000042.3, residues 619-639): NCKAAMNFFQ[Ser629=]VPECEHHQKD